The following is an entry in ClinVar:

NM_001089.3(ABCA3):c.3905G>A (p.Gly1302Glu)

Gene: ABCA3 (ATP binding cassette subfamily A member 3; minus strand). Cytogenetic location: 16p13.3.
Variant type: single nucleotide variant.
Coding change: c.3905G>A on transcript NM_001089.3 (MANE Select); coding-DNA position 3905, G replaced by A.
Protein change: p.Gly1302Glu; replaces glycine 1302 with glutamic acid.
Molecular consequence: missense variant.
Genome position (GRCh38, 1-based): chr16:2,283,316, C>T on the plus strand (G>A on the coding strand, the complement: ABCA3 is on the minus strand). VCF-style: chr16-2283316-C-T. GRCh37 (hg19) VCF-style: chr16-2333317-C-T.
Other names: short protein forms G1302E.
Identifiers: ClinVar variation 981520 (VCV000981520.1), dbSNP rs2093657978, ClinGen allele CA394312485.

ClinVar aggregate classification (germline): Likely pathogenic (1 of 4 stars; one submission).

Conditions:
Interstitial lung disease due to ABCA3 deficiency. Also called: PULMONARY ALVEOLAR PROTEINOSIS, CONGENITAL, 3. Identifiers: Orphanet 440402, MedGen C1970456, MONDO:0012582, OMIM 610921.

Allele frequency attached by ClinVar (database versions not stated): TOPMed below 0.00001.

Submission:

Johns Hopkins Genomics, Johns Hopkins University
Classification: Likely pathogenic for Interstitial lung disease due to ABCA3 deficiency. Last evaluated: 2020-10-12. Review status: criteria provided, single submitter. Criteria: ACMG Guidelines, 2015. Collection method: clinical testing. Allele origin: germline.
Comment: This variant was also found to be in trans with ABCA3 c.875A>T in a member of this family. ABCA3 c.3905G>A is absent from a large population dataset and has not been reported in ClinVar to our knowledge. Two bioinformatics tools queried predict that this substitution would be probably damaging, and the glycine residue at this position is conserved across all species assessed. We consider this variant to be likely pathogenic.

Literature cited by the submitters: PubMed 15976379; PubMed 28642621.